The following is an entry in ClinVar:

ClinVar aggregate classification (germline): Conflicting classifications of pathogenicity. Review status: criteria provided, conflicting classifications (1 of 4 stars). 2 submissions from 2 submitters: Uncertain significance (1); Benign (1). Last evaluated 2023-06-09.

Conditions:
Progressive sclerosing poliodystrophy (MTDPS4A). Also called: ALPERS DIFFUSE DEGENERATION OF CEREBRAL GRAY MATTER WITH HEPATIC CIRRHOSIS; Alpers-Huttenlocher Syndrome; ALPERS PROGRESSIVE INFANTILE POLIODYSTROPHY; NEURONAL DEGENERATION OF CHILDHOOD WITH LIVER DISEASE, PROGRESSIVE; Mitochondrial DNA Depletion Syndrome 4A; Alpers-Huttenlocher Syndrome (AHS). Identifiers: Orphanet 726, MedGen C0205710, MONDO:0008758, OMIM 203700.

Submissions (2):

Labcorp Genetics (formerly Invitae), Labcorp
Classification: Uncertain significance for Progressive sclerosing poliodystrophy. Last evaluated: 2023-06-09. Review status: criteria provided, single submitter. Criteria: Invitae Variant Classification Sherloc (09022015). Collection method: clinical testing. Allele origin: germline.
Comment: Algorithms developed to predict the effect of sequence changes on RNA splicing suggest that this variant may disrupt the consensus splice site. In summary, the available evidence is currently insufficient to determine the role of this variant in disease. Therefore, it has been classified as a Variant of Uncertain Significance. This sequence change falls in intron 4 of the POLG gene. It does not directly change the encoded amino acid sequence of the POLG protein. This variant is not present in population databases (gnomAD no frequency). This variant has not been reported in the literature in individuals affected with POLG-related conditions. ClinVar contains an entry for this variant (Variation ID: 206497).

GeneDx
Classification: Benign. Last evaluated: 2014-08-04. Review status: criteria provided, single submitter. Criteria: GeneDx Variant Classification (06012015). Collection method: clinical testing. Allele origin: germline. Affected: yes.
Comment: This variant is considered likely benign or benign based on one or more of the following criteria: it is a conservative change, it occurs at a poorly conserved position in the protein, it is predicted to be benign by multiple in silico algorithms, and/or has population frequency not consistent with disease.

NM_002693.3(POLG):c.1023+13T>G

Gene: POLG (DNA polymerase gamma, catalytic subunit; minus strand). Cytogenetic location: 15q26.1.
Variant type: single nucleotide variant.
Coding change: c.1023+13T>G on transcript NM_002693.3 (MANE Select); 13 bases into the intron after coding-DNA position 1023, T replaced by G.
Molecular consequence: intron variant.
Genome position (GRCh38, 1-based): chr15:89,328,930, A>C on the plus strand (T>G on the coding strand, the complement: POLG is on the minus strand). VCF-style: chr15-89328930-A-C. GRCh37 (hg19) VCF-style: chr15-89872161-A-C.
Other names: c.1023+13T>G (NM_001126131.2).
Identifiers: ClinVar variation 206497 (VCV000206497.4), dbSNP rs201874835, ClinGen allele CA316641.